The following is an entry in ClinVar:

ClinVar aggregate classification (germline): Conflicting classifications of pathogenicity. Review status: criteria provided, conflicting classifications (1 of 4 stars). 2 submissions from 2 submitters: Uncertain significance (1); Likely benign (1). Last evaluated 2025-08-06.

Conditions:
Inborn genetic diseases. Identifiers: MedGen C0950123, MeSH D030342.
Holoprosencephaly 11 (HPE11). Identifiers: Orphanet 2162, MedGen C3280215, MONDO:0013642, OMIM 614226.

Allele frequency attached by ClinVar (database versions not stated): TOPMed 0.00017; gnomAD exomes 0.00002; 1000 Genomes Project 0.00040; ExAC 0.00005; gnomAD 0.00009; 1000 Genomes Project 30x 0.00031.
gnomAD v4.1: 45 of 1,614,166 alleles (0.0028%); highest among the groups gnomAD compares: Admixed American, 0.025%; no homozygotes.

Submissions (2):

Ambry Genetics
Classification: Likely benign for Inborn genetic diseases. Last evaluated: 2025-08-06. Review status: criteria provided, single submitter. Criteria: Ambry Variant Classification Scheme 2023. Collection method: clinical testing. Allele origin: germline.

Labcorp Genetics (formerly Invitae), Labcorp
Classification: Uncertain significance for Holoprosencephaly 11. Last evaluated: 2025-03-30. Review status: criteria provided, single submitter. Criteria: Invitae Variant Classification Sherloc (09022015). Collection method: clinical testing. Allele origin: germline.
Comment: This sequence change replaces proline, which is neutral and non-polar, with leucine, which is neutral and non-polar, at codon 1254 of the CDON protein (p.Pro1254Leu). This variant is present in population databases (rs199762166, gnomAD 0.03%). This variant has not been reported in the literature in individuals affected with CDON-related conditions. ClinVar contains an entry for this variant (Variation ID: 2108114). An algorithm developed to predict the effect of missense changes on protein structure and function outputs the following: PolyPhen-2: "Benign". The leucine amino acid residue is found in multiple mammalian species, which suggests that this missense change does not adversely affect protein function. In summary, the available evidence is currently insufficient to determine the role of this variant in disease. Therefore, it has been classified as a Variant of Uncertain Significance.

NM_001378964.1(CDON):c.3761C>T (p.Pro1254Leu)

Gene: CDON (cell adhesion associated, oncogene regulated; minus strand). Cytogenetic location: 11q24.2.
Variant type: single nucleotide variant.
Coding change: c.3761C>T on transcript NM_001378964.1 (MANE Select); coding-DNA position 3761, C replaced by T.
Protein change: p.Pro1254Leu; replaces proline 1254 with leucine.
Molecular consequence: missense variant.
Genome position (GRCh38, 1-based): chr11:125,960,976, G>A on the plus strand (C>T on the coding strand, the complement: CDON is on the minus strand). VCF-style: chr11-125960976-G-A. GRCh37 (hg19) VCF-style: chr11-125830871-G-A.
Other names: c.3830C>T, p.Pro1277Leu (NM_001243597.3); c.3761C>T, p.Pro1254Leu (NM_016952.6); short protein forms P1277L, P1254L.
Identifiers: ClinVar variation 2108114 (VCV002108114.5), dbSNP rs199762166, ClinGen allele CA6351289.